The following is an entry in ClinVar:

NM_001358263.1(HK1):c.75+20309G>A

Gene: HK1 (hexokinase 1; plus strand). Cytogenetic location: 10q22.1.
Variant type: single nucleotide variant.
Coding change: c.75+20309G>A on transcript NM_001358263.1 (MANE Plus Clinical); 20309 bases into the intron after coding-DNA position 75, G replaced by A.
Molecular consequence: intron variant. On other transcripts: missense variant (1).
Genome position (GRCh38, 1-based): chr10:69,315,989, G>A. VCF-style: chr10-69315989-G-A. GRCh37 (hg19) VCF-style: chr10-71075745-G-A.
Other names: c.35G>A, p.Arg12Gln (NM_033496.3); c.27+15128G>A (NM_033500.2); c.168+20309G>A (NM_001322365.2); c.75+20309G>A (NM_033498.3, NM_033497.3, NM_001322364.2); short protein forms R12Q.
Identifiers: ClinVar variation 4907646 (VCV004907646.2).

ClinVar aggregate classification (germline): Uncertain significance. Review status: criteria provided, multiple submitters, no conflicts (2 of 4 stars). 2 submissions from 2 submitters: Uncertain significance (2). Last evaluated 2025-08-04.

Conditions:
HK1-related disorder. Also called: HK1-related condition; HK1-related disorders.

gnomAD v4.1: 4 of 1,614,172 alleles (0.00025%); highest among the groups gnomAD compares: African/African-American, 0.0013%; no homozygotes.

Submissions (2):

PreventionGenetics, part of Exact Sciences
Classification: Uncertain significance for HK1-related condition. Last evaluated: 2025-08-04. Review status: criteria provided, single submitter. Criteria: ACMG Guidelines, 2015. Collection method: clinical testing. Allele origin: germline.
Comment: The HK1 c.35G>A variant is predicted to result in the amino acid substitution p.Arg12Gln. To our knowledge, this variant has not been reported in the literature. This variant is present in 0.0062% of alleles in individuals of African descent in gnomAD. At this time, the clinical significance of this variant is uncertain due to the absence of conclusive functional and genetic evidence.

Blueprint Genetics
Classification: Uncertain significance. Last evaluated: 2019-01-15. Review status: criteria provided, single submitter. Criteria: ACMG Guidelines, 2015. Collection method: clinical testing. Allele origin: germline.